The following is an entry in ClinVar:

ClinVar aggregate classification (germline): Pathogenic (1 of 4 stars; one submission).

Submission:

Labcorp Genetics (formerly Invitae), Labcorp
Classification: Pathogenic. Last evaluated: 2023-07-25. Review status: criteria provided, single submitter. Criteria: Invitae Variant Classification Sherloc (09022015). Collection method: clinical testing. Allele origin: germline.
Comment: This sequence change affects a donor splice site in intron 7 of the GNPAT gene. It is expected to disrupt RNA splicing. Variants that disrupt the donor or acceptor splice site typically lead to a loss of protein function (PMID: 16199547), and loss-of-function variants in GNPAT are known to be pathogenic (PMID: 9536089, 21990100). This variant is not present in population databases (gnomAD no frequency). Disruption of this splice site has been observed in individual(s) with rhizomelic chondrodysplasia punctata (PMID: 34110102). Algorithms developed to predict the effect of sequence changes on RNA splicing suggest that this variant may disrupt the consensus splice site. For these reasons, this variant has been classified as Pathogenic.

Literature cited by the submitters: PubMed 16199547; PubMed 9536089; PubMed 21990100; PubMed 34110102.

NM_014236.4(GNPAT):c.924+1G>T

Gene: GNPAT (glyceronephosphate O-acyltransferase; plus strand). Cytogenetic location: 1q42.2.
Variant type: single nucleotide variant.
Coding change: c.924+1G>T on transcript NM_014236.4 (MANE Select); the canonical splice donor site of the intron after coding-DNA position 924, G replaced by T.
Molecular consequence: splice donor variant.
Genome position (GRCh38, 1-based): chr1:231,266,166, G>T. VCF-style: chr1-231266166-G-T. GRCh37 (hg19) VCF-style: chr1-231401912-G-T.
Other names: c.741+1G>T (NM_001316350.2).
Identifiers: ClinVar variation 2746333 (VCV002746333.3), dbSNP rs2527024984, ClinGen allele CA345234446.